The following is an entry in ClinVar:

NM_000552.5(VWF):c.8155+2_8155+3del

Gene: VWF (von Willebrand factor; minus strand). Cytogenetic location: 12p13.31.
Variant type: Microsatellite.
Coding change: c.8155+2_8155+3del on transcript NM_000552.5 (MANE Select); the canonical splice donor site of the intron after coding-DNA position 8155 through 3 bases into the intron after coding-DNA position 8155, 2 bases deleted (TG; older notation c.8155+2_8155+3delTG).
Molecular consequence: splice donor variant.
Genome position (GRCh38, 1-based): chr12:5,951,841-5,951,842, CA deleted on the plus strand (TG on the coding strand, the reverse complement: VWF is on the minus strand); deleting any 2 consecutive bases within chr12:5,951,841-5,951,844 gives the same sequence; the c. name uses the placement nearest the transcript's 3' end. VCF-style (leftmost placement, unchanged base first): chr12-5951840-TCA-T. GRCh37 (hg19) VCF-style: chr12-6061006-TCA-T.
Identifiers: ClinVar variation 1684478 (VCV001684478.1), dbSNP rs2136338728, ClinGen allele CA2580615118.
Genomic context (GRCh38, chr12:5,951,840, plus strand): 5'-TGCAAAGAGCCCCTGGACTTGCTCTGATGGGTTTCAAGGGACAAGATATTAGTAACGCAC[TCA>T]CATGTGTCACAGCAGGTGCCTGGAATTTTCATAATTTTACCCTAAGAAAACAGCAAAATT-3'

ClinVar aggregate classification (germline): Likely pathogenic (0 of 4 stars; one submission).

Conditions:
Hereditary von Willebrand disease. Identifiers: Orphanet 903, MedGen C5703318, MONDO:0019565. Inheritance: Autosomal recessive or Autosomal dominant.

Submission:

ISTH-SSC Genomics in Thrombosis and Hemostasis, KU Leuven, Center for Molecular and Vascular Biology
Classification: Likely pathogenic for von Willebrand disorder. Review status: no assertion criteria provided. Collection method: research. Allele origin: unknown. Affected: yes.
Comment: Submitted to GoldVariant by Dr Karyn Mégy from NIHR Bioresource - Cambridge University, UK